The following is an entry in ClinVar:

ClinVar aggregate classification (germline): Uncertain significance (1 of 4 stars; one submission).

Submission:

Labcorp Genetics (formerly Invitae), Labcorp
Classification: Uncertain significance. Last evaluated: 2024-05-20. Review status: criteria provided, single submitter. Criteria: Invitae Variant Classification Sherloc (09022015). Collection method: clinical testing. Allele origin: germline.
Comment: This sequence change replaces glutamic acid, which is acidic and polar, with lysine, which is basic and polar, at codon 907 of the COL7A1 protein (p.Glu907Lys). This variant is not present in population databases (gnomAD no frequency). This variant has not been reported in the literature in individuals affected with COL7A1-related conditions. Advanced modeling of protein sequence and biophysical properties (such as structural, functional, and spatial information, amino acid conservation, physicochemical variation, residue mobility, and thermodynamic stability) performed at Invitae indicates that this missense variant is not expected to disrupt COL7A1 protein function with a negative predictive value of 95%. In summary, the available evidence is currently insufficient to determine the role of this variant in disease. Therefore, it has been classified as a Variant of Uncertain Significance.

NM_000094.4(COL7A1):c.2719G>A (p.Glu907Lys)

Gene: COL7A1 (collagen type VII alpha 1 chain; minus strand). Cytogenetic location: 3p21.31.
Variant type: single nucleotide variant.
Coding change: c.2719G>A on transcript NM_000094.4 (MANE Select); coding-DNA position 2719, G replaced by A.
Protein change: p.Glu907Lys; replaces glutamic acid 907 with lysine.
Molecular consequence: missense variant.
Genome position (GRCh38, 1-based): chr3:48,587,931, C>T on the plus strand (G>A on the coding strand, the complement: COL7A1 is on the minus strand). VCF-style: chr3-48587931-C-T. GRCh37 (hg19) VCF-style: chr3-48625364-C-T.
Other names: short protein forms E907K.
Identifiers: ClinVar variation 3635684 (VCV003635684.2).